The following is an entry in ClinVar:

ClinVar aggregate classification (germline): Benign (1 of 4 stars; one submission).

Conditions:
Pulmonary hypertension, primary, 1 (PPH1). Also called: Pulmonary hypertension, familial primary, 1, with or without HHT. Identifiers: Orphanet 422, MedGen C4552070, MONDO:0024533, OMIM 178600.

Allele frequency attached by ClinVar (database versions not stated): TOPMed 0.00024; 1000 Genomes Project 30x 0.00094; gnomAD 0.00020 and 0.00023; 1000 Genomes Project 0.00100.

Submission:

Illumina Laboratory Services, Illumina
Classification: Benign for Pulmonary hypertension, primary, 1. Last evaluated: 2018-01-12. Review status: criteria provided, single submitter. Criteria: ICSL Variant Classification Criteria 13 December 2019. Collection method: clinical testing. Allele origin: germline.
Comment: This variant was observed in the ICSL laboratory as part of a predisposition screen in an ostensibly healthy population. It had not been previously curated by ICSL or reported in the Human Gene Mutation Database (HGMD: prior to June 1st, 2018), and was therefore a candidate for classification through an automated scoring system. Utilizing variant allele frequency, disease prevalence and penetrance estimates, and inheritance mode, an automated score was calculated to assess if this variant is too frequent to cause the disease. Based on the score and internal cut-off values, a variant classified as benign is not then subjected to further curation. The score for this variant resulted in a classification of benign for this disease.

NM_001204.7(BMPR2):c.*3061A>G

Gene: BMPR2 (bone morphogenetic protein receptor type 2; plus strand). Cytogenetic location: 2q33.2.
Variant type: single nucleotide variant.
Coding change: c.*3061A>G on transcript NM_001204.7 (MANE Select); 3061 bases downstream of the stop codon, A replaced by G.
Molecular consequence: 3 prime UTR variant.
Genome position (GRCh38, 1-based): chr2:202,563,007, A>G. VCF-style: chr2-202563007-A-G. GRCh37 (hg19) VCF-style: chr2-203427730-A-G.
Other names: c.*3061A>G (LRG_712t1).
Identifiers: ClinVar variation 333686 (VCV000333686.5), dbSNP rs538597276, ClinGen allele CA10612515.